The following is an entry in ClinVar:

NM_001370466.1(NOD2):c.1663C>G (p.Leu555Val)

Gene: NOD2 (nucleotide binding oligomerization domain containing 2; plus strand). Cytogenetic location: 16q12.1.
Variant type: single nucleotide variant.
Coding change: c.1663C>G on transcript NM_001370466.1 (MANE Select); coding-DNA position 1663, C replaced by G.
Protein change: p.Leu555Val; replaces leucine 555 with valine.
Molecular consequence: missense variant. On other transcripts: non-coding transcript variant (1).
Genome position (GRCh38, 1-based): chr16:50,711,655, C>G. VCF-style: chr16-50711655-C-G. GRCh37 (hg19) VCF-style: chr16-50745566-C-G.
Other names: c.1663C>G, p.Leu555Val (NM_001293557.2); c.1744C>G, p.Leu582Val (NM_022162.3); short protein forms L582V, L555V.
Identifiers: ClinVar variation 2042650 (VCV002042650.4), dbSNP rs750625667, ClinGen allele CA281263312.

ClinVar aggregate classification (germline): Uncertain significance (1 of 4 stars; one submission).

Conditions:
Blau syndrome (BLAUS). Also called: GRANULOMATOSIS, FAMILIAL JUVENILE SYSTEMIC; GRANULOMATOSIS, FAMILIAL, BLAU TYPE; GRANULOMATOUS INFLAMMATORY ARTHRITIS, DERMATITIS, AND UVEITIS, FAMILIAL; JABS SYNDROME; ARTHROCUTANEOUVEAL GRANULOMATOSIS. Identifiers: Orphanet 90340, MedGen C5201146, MONDO:0008523, OMIM 186580.
Regional enteritis. Also called: Enteritis, Granulomatous. Identifiers: MedGen C0678202, MeSH D003424.

Allele frequency attached by ClinVar (database versions not stated): gnomAD exomes 0.00001.
gnomAD v4.1: 16 of 1,613,288 alleles (0.00099%); highest among the groups gnomAD compares: Non-Finnish European, 0.0013%; no homozygotes.

Submission:

Labcorp Genetics (formerly Invitae), Labcorp
Classification: Uncertain significance for Regional enteritis; Blau syndrome. Last evaluated: 2022-04-09. Review status: criteria provided, single submitter. Criteria: Invitae Variant Classification Sherloc (09022015). Collection method: clinical testing. Allele origin: germline.
Comment: In summary, the available evidence is currently insufficient to determine the role of this variant in disease. Therefore, it has been classified as a Variant of Uncertain Significance. Advanced modeling of protein sequence and biophysical properties (such as structural, functional, and spatial information, amino acid conservation, physicochemical variation, residue mobility, and thermodynamic stability) performed at Invitae indicates that this missense variant is not expected to disrupt NOD2 protein function. This variant has not been reported in the literature in individuals affected with NOD2-related conditions. This variant is not present in population databases (gnomAD no frequency). This sequence change replaces leucine, which is neutral and non-polar, with valine, which is neutral and non-polar, at codon 582 of the NOD2 protein (p.Leu582Val).